The following is an entry in ClinVar:

ClinVar aggregate classification (germline): Uncertain significance (1 of 4 stars; one submission).

Conditions:
Pulmonary hypertension, primary, 1 (PPH1). Also called: Pulmonary hypertension, familial primary, 1, with or without HHT. Identifiers: Orphanet 422, MedGen C4552070, MONDO:0024533, OMIM 178600.

Allele frequency attached by ClinVar (database versions not stated): ExAC 0.00001.

Submission:

Victorian Clinical Genetics Services, Murdoch Childrens Research Institute
Classification: Uncertain significance for Pulmonary hypertension, primary, 1. Last evaluated: 2020-05-26. Review status: criteria provided, single submitter. Criteria: ACMG Guidelines, 2015. Collection method: clinical testing. Allele origin: germline. Inheritance: Autosomal dominant inheritance. Affected: yes.
Comment: Based on the classification scheme VCGS_Germline_v1.1.1, this variant is classified as 3B-VUS. Following criteria are met: 0103 - Both loss- and gain-of-function are known mechanisms of disease for this gene. Loss of function has been demonstrated, however gain of function has also been noted in relation to upregulation of p38 MAPK-dependent pro-proliferative pathways (OMIM). (N) 0104 - Dominant Negative is a mechanism of disease for this gene. Dominant negative mechanism has also been suggested in relation to SMAD signalling (OMIM). (N) 0107 - This gene is known to be associated with autosomal dominant disease. (N) 0200 - Variant is predicted to result in a missense amino acid change from glutamine to arginine (exon 2). (N) 0251 - Variant is heterozygous. (N) 0302 - Variant is present in gnomAD <0.001 for a dominant condition (1 heterozygote, 0 homozygotes). (P) 0502 - Missense variant with conflicting in silico predictions and/or uninformative conservation. (N) 0604 - Variant is not located in an established domain, motif, hotspot or informative constraint region. (N) 0705 - No comparable variants have previous evidence for pathogenicity. (N) 0807 - Variant has not previously been reported in a clinical context. (N) 0905 - No segregation evidence has been identified for this variant. (N) 1007 - No published functional evidence has been identified for this variant. (N) Legend: (P) - Pathogenic, (N) - Neutral, (B) - Benign

NM_001204.7(BMPR2):c.89A>G (p.Gln30Arg)

Gene: BMPR2 (bone morphogenetic protein receptor type 2; plus strand). Cytogenetic location: 2q33.1.
Variant type: single nucleotide variant.
Coding change: c.89A>G on transcript NM_001204.7 (MANE Select); coding-DNA position 89, A replaced by G.
Protein change: p.Gln30Arg; replaces glutamine 30 with arginine.
Molecular consequence: missense variant.
Genome position (GRCh38, 1-based): chr2:202,464,821, A>G. VCF-style: chr2-202464821-A-G. GRCh37 (hg19) VCF-style: chr2-203329544-A-G.
Other names: short protein forms Q30R.
Identifiers: ClinVar variation 2500767 (VCV002500767.2), dbSNP rs747740309, ClinGen allele CA2061035.